The following is an entry in ClinVar:

ClinVar aggregate classification (germline): Uncertain significance. Review status: criteria provided, multiple submitters, no conflicts (2 of 4 stars). 2 submissions from 2 submitters: Uncertain significance (2). Last evaluated 2026-01-23.

Conditions:
Autoinflammatory syndrome. Identifiers: Orphanet 93665, MedGen C3890737, MONDO:0019751.

Allele frequency attached by ClinVar (database versions not stated): 1000 Genomes Project 30x 0.00016.
gnomAD v4.1: 11 of 1,614,098 alleles (0.00068%); highest among the groups gnomAD compares: Middle Eastern, 0.016%; no homozygotes.

Submissions (2):

Dasa
Classification: Uncertain significance. Last evaluated: 2026-01-23. Review status: criteria provided, single submitter. Criteria: DASA Assertion Criteria. Collection method: clinical testing. Allele origin: germline.
Comment: NM_000243.3(MEFV):c.2230G>A (p.Ala744Thr) is a missense variant that results in the substitution of alanine with threonine. The affected residue or protein region has prior evidence supporting clinical relevance. This variant has been recurrently observed in individuals with MEFV-related disorders (PMID: 33738724; PMID: 31411330). Also, this variant is rare in population databases. The currently available literature and clinical evidence are not sufficient to establish a definitive association between this variant and the reported condition. Therefore, this variant is classified as a variant of uncertain significance.

Genome Diagnostics Laboratory, The Hospital for Sick Children
Classification: Uncertain significance for Autoinflammatory syndrome. Last evaluated: 2016-12-12. Review status: criteria provided, single submitter. Criteria: ACMG Guidelines, 2015. Collection method: clinical testing. Allele origin: germline. Affected: yes.

Literature cited by the submitters: PubMed 33738724 (cited by Dasa); PubMed 31411330 (cited by Dasa).

NM_000243.3(MEFV):c.2230G>A (p.Ala744Thr)

Gene: MEFV (MEFV innate immunity regulator, pyrin; minus strand). Cytogenetic location: 16p13.3.
Variant type: single nucleotide variant.
Coding change: c.2230G>A on transcript NM_000243.3 (MANE Select); coding-DNA position 2230, G replaced by A.
Protein change: p.Ala744Thr; replaces alanine 744 with threonine.
Molecular consequence: missense variant. On other transcripts: 3 prime UTR variant (1).
Genome position (GRCh38, 1-based): chr16:3,243,257, C>T on the plus strand (G>A on the coding strand, the complement: MEFV is on the minus strand). VCF-style: chr16-3243257-C-T. GRCh37 (hg19) VCF-style: chr16-3293257-C-T.
Other names: c.*434G>A (NM_001198536.2); short protein forms A744T.
Identifiers: ClinVar variation 1694334 (VCV001694334.5), dbSNP rs61732874, ClinGen allele CA276955010.